The following is an entry in ClinVar:

ClinVar aggregate classification (germline): Uncertain significance. Review status: criteria provided, multiple submitters, no conflicts (2 of 4 stars). 3 submissions from 3 submitters: Uncertain significance (3). Last evaluated 2025-11-24.

Allele frequency attached by ClinVar (database versions not stated): gnomAD 0.00003; TOPMed 0.00005; ExAC 0.00010; ESP Exome Variant Server 0.00012.
gnomAD v4.1: 80 of 1,613,738 alleles (0.005%); highest among the groups gnomAD compares: South Asian, 0.07%; no homozygotes.

Submissions (3):

Ambry Genetics
Classification: Uncertain significance. Last evaluated: 2025-11-24. Review status: criteria provided, single submitter. Criteria: Ambry Variant Classification Scheme 2023. Collection method: clinical testing. Allele origin: germline.

Labcorp Genetics (formerly Invitae), Labcorp
Classification: Uncertain significance. Last evaluated: 2025-01-21. Review status: criteria provided, single submitter. Criteria: Invitae Variant Classification Sherloc (09022015). Collection method: clinical testing. Allele origin: germline.
Comment: This sequence change replaces glycine, which is neutral and non-polar, with serine, which is neutral and polar, at codon 660 of the SLC44A4 protein (p.Gly660Ser). This variant is present in population databases (rs371751994, gnomAD 0.07%), and has an allele count higher than expected for a pathogenic variant. This variant has not been reported in the literature in individuals affected with SLC44A4-related conditions. ClinVar contains an entry for this variant (Variation ID: 3021460). Invitae Evidence Modeling of protein sequence and biophysical properties (such as structural, functional, and spatial information, amino acid conservation, physicochemical variation, residue mobility, and thermodynamic stability) indicates that this missense variant is not expected to disrupt SLC44A4 protein function with a negative predictive value of 80%. In summary, the available evidence is currently insufficient to determine the role of this variant in disease. Therefore, it has been classified as a Variant of Uncertain Significance.

Breakthrough Genomics
Classification: Uncertain significance. Review status: criteria provided, single submitter. Criteria: ACMG Guidelines, 2015. Collection method: not provided. Allele origin: germline. Inheritance: Autosomal dominant inheritance. Affected: yes.

NM_025257.3(SLC44A4):c.1978G>A (p.Gly660Ser)

Gene: SLC44A4 (solute carrier family 44 member 4; minus strand). Cytogenetic location: 6p21.33.
Variant type: single nucleotide variant.
Coding change: c.1978G>A on transcript NM_025257.3 (MANE Select); coding-DNA position 1978, G replaced by A.
Protein change: p.Gly660Ser; replaces glycine 660 with serine.
Molecular consequence: missense variant.
Genome position (GRCh38, 1-based): chr6:31,864,685, C>T on the plus strand (G>A on the coding strand, the complement: SLC44A4 is on the minus strand). VCF-style: chr6-31864685-C-T. GRCh37 (hg19) VCF-style: chr6-31832462-C-T.
Other names: c.1852G>A, p.Gly618Ser (NM_001178044.2); c.1750G>A, p.Gly584Ser (NM_001178045.2); c.1978G>A, p.Gly660Ser (NM_032794.1); c.1978G>A (NM_025257.2); short protein forms G660S, G584S, G618S.
Identifiers: ClinVar variation 3021460 (VCV003021460.5), dbSNP rs371751994, ClinGen allele CA3725196.
Genomic context (GRCh38, chr6:31,864,685, plus strand): 5'-GGACAGGTGGCTGGGGGTGTCACTCACGGAAGCAGAGGAAGAGCGTGTCCACACACATGC[C>T]GAAAACGCTGAAGAAGCCGCTGGCGATGACATAGGCCCCCAGGATGGAGGTCTGGAAGAC-3'
Protein context (NP_079533.2, residues 650-670): VIASGFFSVF[Gly660Ser]MCVDTLFLCF